The following is an entry in ClinVar:

ClinVar aggregate classification (germline): Likely benign (1 of 4 stars; one submission).

Conditions:
PLXNA3-related disorder. Also called: PLXNA3-related condition.

gnomAD v4.1: 47 of 1,193,362 alleles (0.0039%); highest among the groups gnomAD compares: Middle Eastern, 0.023%; no homozygotes.

Submission:

PreventionGenetics, part of Exact Sciences
Classification: Likely benign for PLXNA3-related condition. Last evaluated: 2025-04-02. Review status: criteria provided, single submitter. Criteria: ACMG Guidelines, 2015. Collection method: clinical testing. Allele origin: germline.
Comment: This variant is classified as likely benign based on ACMG/AMP sequence variant interpretation guidelines (Richards et al. 2015 PMID: 25741868, with internal and published modifications).

NM_017514.5(PLXNA3):c.1149C>T (p.Asn383=)

Gene: PLXNA3 (plexin A3; plus strand). Cytogenetic location: Xq28.
Variant type: single nucleotide variant.
Coding change: c.1149C>T on transcript NM_017514.5 (MANE Select); coding-DNA position 1149, C replaced by T.
Protein change: p.Asn383=; no amino-acid change (asparagine 383 retained).
Molecular consequence: synonymous variant.
Genome position (GRCh38, 1-based): chrX:154,462,142, C>T. VCF-style: chrX-154462142-C-T. GRCh37 (hg19) VCF-style: chrX-153690482-C-T.
Identifiers: ClinVar variation 4990572 (VCV004990572.1).